The following is an entry in ClinVar:

NM_001367624.2(ZNF469):c.9516C>T (p.Ala3172=)

Gene: ZNF469 (zinc finger protein 469; plus strand). Cytogenetic location: 16q24.2.
Variant type: single nucleotide variant.
Coding change: c.9516C>T on transcript NM_001367624.2 (MANE Select); coding-DNA position 9516, C replaced by T.
Protein change: p.Ala3172=; no amino-acid change (alanine 3172 retained).
Molecular consequence: synonymous variant.
Genome position (GRCh38, 1-based): chr16:88,436,986, C>T. VCF-style: chr16-88436986-C-T. GRCh37 (hg19) VCF-style: chr16-88503394-C-T.
Other names: NM_001127464.1:c.9432C>T; NM_001127464.2:c.9432C>T; p.Ala3172=.
Identifiers: ClinVar variation 390132 (VCV000390132.42), dbSNP rs577913880, ClinGen allele CA8225435.

ClinVar aggregate classification (germline): Conflicting classifications of pathogenicity. Review status: criteria provided, conflicting classifications (1 of 4 stars). 8 submissions from 8 submitters: Uncertain significance (1); Benign (1); Likely benign (5). 1 of the submissions does not count toward it. Last evaluated 2026-01-27.

Conditions:
ZNF469-related disorder. Also called: ZNF469-related condition.
Cardiovascular phenotype. Identifiers: MedGen CN230736.

Allele frequency attached by ClinVar (database versions not stated): TOPMed 0.00045; 1000 Genomes Project 30x 0.00047; 1000 Genomes Project 0.00060; ExAC 0.00115; gnomAD 0.00131.
gnomAD v4.1: 1,630 of 1,515,654 alleles (0.11%); highest among the groups gnomAD compares: Non-Finnish European, 0.11%; no homozygotes.

Submissions (8):

Labcorp Genetics (formerly Invitae), Labcorp
Classification: Benign. Last evaluated: 2026-01-27. Review status: criteria provided, single submitter. Criteria: Invitae Variant Classification Sherloc (09022015). Collection method: clinical testing. Allele origin: germline.

Mayo Clinic Laboratories, Mayo Clinic
Classification: Likely benign. Last evaluated: 2025-12-14. Review status: criteria provided, single submitter. Criteria: ACMG Guidelines, 2015. Collection method: clinical testing. Allele origin: germline. Observed: 6 variant alleles.
Comment: BS1, BP4, BP7

CeGaT Center for Human Genetics Tuebingen
Classification: Likely benign. Last evaluated: 2024-12-01. Review status: criteria provided, single submitter. Criteria: CeGaT Center For Human Genetics Tuebingen Variant Classification Criteria Version 2. Collection method: clinical testing. Allele origin: germline. Affected: yes. Observed: 2 variant alleles.
Comment: ZNF469: BP4, BP7

Blueprint Genetics
Classification: Likely benign. Last evaluated: 2024-11-06. Review status: criteria provided, single submitter. Criteria: ACMG Guidelines, 2015. Collection method: clinical testing. Allele origin: germline.

GeneDx
Classification: Likely benign. Last evaluated: 2021-01-11. Review status: criteria provided, single submitter. Criteria: GeneDx Variant Classification Process June 2021. Collection method: clinical testing. Allele origin: germline. Affected: yes.
Comment: This variant is associated with the following publications: (PMID: 25564447)

Ambry Genetics
Classification: Likely benign for Cardiovascular phenotype. Last evaluated: 2019-01-21. Review status: criteria provided, single submitter. Criteria: Ambry Variant Classification Scheme 2023. Collection method: clinical testing. Allele origin: germline.

Eurofins Ntd Llc (ga)
Classification: Uncertain significance. Last evaluated: 2017-10-17. Review status: criteria provided, single submitter. Criteria: EGL Classification Definitions 2015. Collection method: clinical testing. Allele origin: germline. Observed: 1 variant allele, 1 heterozygote.

PreventionGenetics, part of Exact Sciences
Classification: Likely benign for ZNF469-related condition. Last evaluated: 2019-06-05. Review status: no assertion criteria provided. Collection method: clinical testing. Allele origin: germline. Not counted in ClinVar's aggregate classification.
Comment: This variant is classified as likely benign based on ACMG/AMP sequence variant interpretation guidelines (Richards et al. 2015 PMID: 25741868, with internal and published modifications).